The following is an entry in ClinVar:

NM_032043.3(BRIP1):c.2532A>G (p.Leu844=)

Gene: BRIP1 (BRCA1 interacting DNA helicase 1; minus strand). Cytogenetic location: 17q23.2.
Variant type: single nucleotide variant.
Coding change: c.2532A>G on transcript NM_032043.3 (MANE Select); coding-DNA position 2532, A replaced by G.
Protein change: p.Leu844=; no amino-acid change (leucine 844 retained).
Molecular consequence: synonymous variant.
Genome position (GRCh38, 1-based): chr17:61,693,473, T>C on the plus strand (A>G on the coding strand, the complement: BRIP1 is on the minus strand). VCF-style: chr17-61693473-T-C. GRCh37 (hg19) VCF-style: chr17-59770834-T-C.
Identifiers: ClinVar variation 793122 (VCV000793122.12), dbSNP rs1603280519, ClinGen allele CA501144677.

ClinVar aggregate classification (germline): Benign/Likely benign. Review status: criteria provided, multiple submitters, no conflicts (2 of 4 stars). 2 submissions from 2 submitters: Benign (1); Likely benign (1). Last evaluated 2024-09-05.

Conditions:
Familial cancer of breast. Also called: Hereditary breast cancer; hereditary breast carcinoma; BREAST CANCER, FAMILIAL. Identifiers: Orphanet 227535, MedGen C0346153, MONDO:0016419, OMIM 114480. Disease mechanism: loss of function.
Fanconi anemia complementation group J. Also called: BRIP1-Related Fanconi Anemia. Identifiers: Orphanet 84, MedGen C1836860, MONDO:0012187, OMIM 609054.

Submissions (2):

Myriad Genetics, Inc.
Classification: Benign for Familial cancer of breast. Last evaluated: 2024-09-05. Review status: criteria provided, single submitter. Criteria: Myriad Autosomal Dominant, Autosomal Recessive and X-Linked Classification Criteria (2023). Collection method: clinical testing. Allele origin: unknown.
Comment: This variant is considered benign. This variant is a silent/synonymous amino acid change and it is not expected to impact splicing.

Labcorp Genetics (formerly Invitae), Labcorp
Classification: Likely benign for Familial cancer of breast; Fanconi anemia complementation group J. Last evaluated: 2023-08-10. Review status: criteria provided, single submitter. Criteria: Invitae Variant Classification Sherloc (09022015). Collection method: clinical testing. Allele origin: germline.